The following is an entry in ClinVar:

ClinVar aggregate classification (germline): Benign/Likely benign. Review status: criteria provided, multiple submitters, no conflicts (2 of 4 stars). 2 submissions from 2 submitters: Benign (1); Likely benign (1). Last evaluated 2024-06-18.

Conditions:
Familial cancer of breast. Also called: Hereditary breast cancer; hereditary breast carcinoma; BREAST CANCER, FAMILIAL. Identifiers: Orphanet 227535, MedGen C0346153, MONDO:0016419, OMIM 114480. Disease mechanism: loss of function.
Ataxia-telangiectasia syndrome (AT). Also called: Ataxia telangiectasia (A-T); ATAXIA-TELANGIECTASIA, COMPLEMENTATION GROUP A; ATAXIA-TELANGIECTASIA, FRESNO VARIANT; Ataxia-telangiectasia; Ataxia-telangiectasia, complementation group E; LOUIS-BAR SYNDROME. Identifiers: Orphanet 100, MedGen C0004135, MONDO:0008840, OMIM 208900.

Submissions (2):

Myriad Genetics, Inc.
Classification: Benign for Familial cancer of breast. Last evaluated: 2024-06-18. Review status: criteria provided, single submitter. Criteria: Myriad Autosomal Dominant, Autosomal Recessive and X-Linked Classification Criteria (2023). Collection method: clinical testing. Allele origin: unknown.
Comment: This variant is considered benign. This variant is a silent/synonymous amino acid change and it is not expected to impact splicing.

Labcorp Genetics (formerly Invitae), Labcorp
Classification: Likely benign for Ataxia-telangiectasia syndrome. Last evaluated: 2024-03-28. Review status: criteria provided, single submitter. Criteria: Invitae Variant Classification Sherloc (09022015). Collection method: clinical testing. Allele origin: germline.

NM_000051.4(ATM):c.8235T>C (p.Thr2745=)

Genes: ATM (ATM serine/threonine kinase; plus strand), C11orf65 (chromosome 11 open reading frame 65; minus strand). Cytogenetic location: 11q22.3.
Variant type: single nucleotide variant.
Coding change: c.8235T>C on transcript NM_000051.4 (MANE Select); coding-DNA position 8235, T replaced by C.
Protein change: p.Thr2745=; no amino-acid change (threonine 2745 retained).
Molecular consequence: synonymous variant. On other transcripts: intron variant (2).
Genome position (GRCh38, 1-based): chr11:108,335,928, T>C. VCF-style: chr11-108335928-T-C. GRCh37 (hg19) VCF-style: chr11-108206655-T-C.
Other names: c.641-26857A>G (NM_001330368.2); c.695-636A>G (NM_001351110.2); c.8235T>C, p.Thr2745= (NM_001351834.2).
Identifiers: ClinVar variation 1108030 (VCV001108030.10), dbSNP rs2136698319, ClinGen allele CA476678186.